The following is an entry in ClinVar:

NM_004706.4(ARHGEF1):c.2347C>T (p.Pro783Ser)

Gene: ARHGEF1 (Rho guanine nucleotide exchange factor 1; plus strand). Cytogenetic location: 19q13.2.
Variant type: single nucleotide variant.
Coding change: c.2347C>T on transcript NM_004706.4 (MANE Select); coding-DNA position 2347, C replaced by T.
Protein change: p.Pro783Ser; replaces proline 783 with serine.
Molecular consequence: missense variant. On other transcripts: non-coding transcript variant (2).
Genome position (GRCh38, 1-based): chr19:41,905,770, C>T. VCF-style: chr19-41905770-C-T. GRCh37 (hg19) VCF-style: chr19-42409922-C-T.
Other names: c.2515C>T, p.Pro839Ser (NM_001396000.1); c.2248C>T, p.Pro750Ser (NM_001396002.1, NM_001396004.1, NM_198977.2); c.2347C>T, p.Pro783Ser (NM_001396003.1, NM_001396006.1); c.2392C>T, p.Pro798Ser (NM_199002.2); short protein forms P798S, P839S, P750S, P783S.
Identifiers: ClinVar variation 4774051 (VCV004774051.1).

ClinVar aggregate classification (germline): Uncertain significance (1 of 4 stars; one submission).

gnomAD v4.1: 3 of 1,614,112 alleles (0.00019%); highest among the groups gnomAD compares: Non-Finnish European, 0.00025%; no homozygotes.

Submission:

Labcorp Genetics (formerly Invitae), Labcorp
Classification: Uncertain significance. Last evaluated: 2025-07-30. Review status: criteria provided, single submitter. Criteria: Invitae Variant Classification Sherloc (09022015). Collection method: clinical testing. Allele origin: germline.
Comment: This sequence change replaces proline, which is neutral and non-polar, with serine, which is neutral and polar, at codon 798 of the ARHGEF1 protein (p.Pro798Ser). This variant is present in population databases (no rsID available, gnomAD 0.0009%). This variant has not been reported in the literature in individuals affected with ARHGEF1-related conditions. An algorithm developed to predict the effect of missense changes on protein structure and function outputs the following: PolyPhen-2: "Benign". The serine amino acid residue is found in multiple mammalian species, which suggests that this missense change does not adversely affect protein function. In summary, the available evidence is currently insufficient to determine the role of this variant in disease. Therefore, it has been classified as a Variant of Uncertain Significance.